The following is an entry in ClinVar:

ClinVar aggregate classification (germline): Conflicting classifications of pathogenicity. Review status: criteria provided, conflicting classifications (1 of 4 stars). 2 submissions from 2 submitters: Uncertain significance (1); Likely benign (1). Last evaluated 2024-11-03.

Allele frequency attached by ClinVar (database versions not stated): ExAC 0.00001; gnomAD exomes 0.00002; TOPMed 0.00002; ESP Exome Variant Server 0.00008.
gnomAD v4.1: 23 of 1,603,864 alleles (0.0014%); highest among the groups gnomAD compares: Non-Finnish European, 0.0017%; no homozygotes.

Submissions (2):

Labcorp Genetics (formerly Invitae), Labcorp
Classification: Likely benign. Last evaluated: 2024-11-03. Review status: criteria provided, single submitter. Criteria: Invitae Variant Classification Sherloc (09022015). Collection method: clinical testing. Allele origin: germline.

Genetic Services Laboratory, University of Chicago
Classification: Uncertain significance. Last evaluated: 2020-06-15. Review status: criteria provided, single submitter. Criteria: ACMG Guidelines, 2015. Collection method: clinical testing. Allele origin: germline. Affected: no.
Comment: DNA sequence analysis of the DNAJC21 gene demonstrated a sequence change in intron 5, c.743+10G>A. This change does not appear to have been previously described in patients with DNAJC21-related disorders and has been described in three individuals in the gnomAD database (dbSNP rs371751945). This sequence change affects a nucleotide that is not conserved and is not clearly predicted to have a deleterious effect on splicing based on in silico splice prediction programs. It is possible that this sequence change represents a benign sequence change in the DNAJC21 gene that has not been identified to date. The functional significance of this sequence change is not known at present and its contribution to this patient's disease phenotype cannot definitively be determined.

NM_001012339.3(DNAJC21):c.743+10G>A

Gene: DNAJC21 (DnaJ heat shock protein family (Hsp40) member C21; plus strand). Cytogenetic location: 5p13.2.
Variant type: single nucleotide variant.
Coding change: c.743+10G>A on transcript NM_001012339.3 (MANE Select); 10 bases into the intron after coding-DNA position 743, G replaced by A.
Molecular consequence: intron variant.
Genome position (GRCh38, 1-based): chr5:34,937,640, G>A. VCF-style: chr5-34937640-G-A. GRCh37 (hg19) VCF-style: chr5-34937745-G-A.
Other names: c.743+10G>A (NM_001348420.2, NM_194283.4).
Identifiers: ClinVar variation 1337665 (VCV001337665.11), dbSNP rs371751945, ClinGen allele CA3228542.